The following is an entry in ClinVar:

NM_004336.5(BUB1):c.785G>A (p.Arg262Gln)

Gene: BUB1 (BUB1 mitotic checkpoint serine/threonine kinase; minus strand). Cytogenetic location: 2q13.
Variant type: single nucleotide variant.
Coding change: c.785G>A on transcript NM_004336.5 (MANE Select); coding-DNA position 785, G replaced by A.
Protein change: p.Arg262Gln; replaces arginine 262 with glutamine.
Molecular consequence: missense variant.
Genome position (GRCh38, 1-based): chr2:110,667,541, C>T on the plus strand (G>A on the coding strand, the complement: BUB1 is on the minus strand). VCF-style: chr2-110667541-C-T. GRCh37 (hg19) VCF-style: chr2-111425118-C-T.
Other names: c.725G>A, p.Arg242Gln (NM_001278616.2); c.785G>A, p.Arg262Gln (NM_001278617.2); short protein forms R262Q, R242Q.
Identifiers: ClinVar variation 2560895 (VCV002560895.2), dbSNP rs758951021, ClinGen allele CA1828253.

ClinVar aggregate classification (germline): Uncertain significance (1 of 4 stars; one submission).

Allele frequency attached by ClinVar (database versions not stated): gnomAD 0.00001; gnomAD exomes 0.00001; TOPMed 0.00001; ExAC 0.00002.
gnomAD v4.1: 10 of 1,612,604 alleles (0.00062%); highest among the groups gnomAD compares: Middle Eastern, 0.016%; no homozygotes.

Submission:

Ambry Genetics
Classification: Uncertain significance. Last evaluated: 2023-03-23. Review status: criteria provided, single submitter. Criteria: Ambry Variant Classification Scheme 2023. Collection method: clinical testing. Allele origin: germline.
Comment: The p.R262Q variant (also known as c.785G>A), located in coding exon 8 of the BUB1 gene, results from a G to A substitution at nucleotide position 785. The arginine at codon 262 is replaced by glutamine, an amino acid with highly similar properties. This amino acid position is conserved. In addition, this alteration is predicted to be tolerated by in silico analysis. Since supporting evidence is limited at this time, the clinical significance of this alteration remains unclear.